The following is an entry in ClinVar:

NM_000719.7(CACNA1C):c.2460+2T>G

Gene: CACNA1C (calcium voltage-gated channel subunit alpha1 C; plus strand). Cytogenetic location: 12p13.33.
Variant type: single nucleotide variant.
Coding change: c.2460+2T>G on transcript NM_000719.7 (MANE Select); the canonical splice donor site of the intron after coding-DNA position 2460, T replaced by G.
Molecular consequence: splice donor variant.
Genome position (GRCh38, 1-based): chr12:2,585,498, T>G. VCF-style: chr12-2585498-T-G. GRCh37 (hg19) VCF-style: chr12-2694664-T-G.
Other names: c.2460+2T>G (NM_001167624.3, NM_001167623.2, NM_001167625.2 and 18 more transcripts); c.2451+2T>G (NM_001129844.2).
Identifiers: ClinVar variation 2626927 (VCV002626927.1), dbSNP rs1601147280, ClinGen allele CA383371870.
Genomic context (GRCh38, chr12:2,585,498, plus strand): 5'-AGGAGAAGATTGAGCTGAAATCCATCACGGCTGACGGAGAGTCTCCACCCGCCACCAAGG[T>G]GAGGAGCTGTCTCCTTCCTGGAGCTGTGAGGCCGGTGCTGGGGAGGGAGGGCCACAGCCT-3'

ClinVar aggregate classification (germline): Likely pathogenic (1 of 4 stars; one submission).

Conditions:
CACNA1C-related disorder. Also called: CACNA1C-related condition; CACNA1C-related disorders. Identifiers: MedGen CN381092, MONDO:0700321.

Submission:

Greenwood Genetic Center Diagnostic Laboratories, Greenwood Genetic Center
Classification: Likely pathogenic for CACNA1C-related disorder. Last evaluated: 2023-09-06. Review status: criteria provided, single submitter. Criteria: ACMG Guidelines, 2015. Collection method: clinical testing. Allele origin: germline. Affected: yes.
Comment: PVS1 PM2